The following is an entry in ClinVar:

NM_000388.4(CASR):c.889del (p.Glu297fs)

Gene: CASR (calcium sensing receptor; plus strand). Cytogenetic location: 3q21.1.
Variant type: Deletion.
Coding change: c.889del on transcript NM_000388.4 (MANE Select); coding-DNA position 889, one base deleted (G; older notation c.889delG).
Protein change: p.Glu297fs; shifts the reading frame from glutamic acid 297.
Molecular consequence: frameshift variant.
Genome position (GRCh38, 1-based): chr3:122,261,924, G deleted. VCF-style (leftmost placement, unchanged base first): chr3-122261923-CG-C. GRCh37 (hg19) VCF-style: chr3-121980770-CG-C.
Other names: c.889del, p.Glu297fs (NM_001178065.2); short protein forms E297fs.
Identifiers: ClinVar variation 3759680 (VCV003759680.2).

ClinVar aggregate classification (germline): Pathogenic (1 of 4 stars; one submission).

Conditions:
Autosomal dominant hypocalcemia 1 (HYPOC1). Also called: HYPOCALCEMIA, FAMILIAL. Identifiers: MedGen C3715128, MONDO:0011013, OMIM 601198.
Familial hypocalciuric hypercalcemia (FHH). Also called: Familial benign hypercalcemia. Identifiers: Orphanet 405, MedGen C1809471, MONDO:0018458.

Submission:

Labcorp Genetics (formerly Invitae), Labcorp
Classification: Pathogenic for Familial hypocalciuric hypercalcemia; Autosomal dominant hypocalcemia 1. Last evaluated: 2024-11-03. Review status: criteria provided, single submitter. Criteria: Invitae Variant Classification Sherloc (09022015). Collection method: clinical testing. Allele origin: germline.
Comment: This sequence change creates a premature translational stop signal (p.Glu297Argfs*8) in the CASR gene. It is expected to result in an absent or disrupted protein product. Loss-of-function variants in CASR are known to be pathogenic (PMID: 11807402, 14985373, 22422767). This variant is not present in population databases (gnomAD no frequency). This variant has not been reported in the literature in individuals affected with CASR-related conditions. For these reasons, this variant has been classified as Pathogenic.

Literature cited by the submitters: PubMed 11807402; PubMed 14985373; PubMed 22422767.